The following is an entry in ClinVar:

ClinVar aggregate classification (germline): Uncertain significance (1 of 4 stars; one submission).

Submission:

Labcorp Genetics (formerly Invitae), Labcorp
Classification: Uncertain significance. Last evaluated: 2025-10-06. Review status: criteria provided, single submitter. Criteria: Invitae Variant Classification Sherloc (09022015). Collection method: clinical testing. Allele origin: germline.
Comment: This sequence change replaces valine, which is neutral and non-polar, with phenylalanine, which is neutral and non-polar, at codon 304 of the SAMD9 protein (p.Val304Phe). This variant is not present in population databases (gnomAD no frequency). This variant has not been reported in the literature in individuals affected with SAMD9-related conditions. Invitae Evidence Modeling of protein sequence and biophysical properties (such as structural, functional, and spatial information, amino acid conservation, physicochemical variation, residue mobility, and thermodynamic stability) has been performed for this missense variant. However, the output from this modeling did not meet the statistical confidence thresholds required to predict the impact of this variant on SAMD9 protein function. In summary, the available evidence is currently insufficient to determine the role of this variant in disease. Therefore, it has been classified as a Variant of Uncertain Significance.

NM_017654.4(SAMD9):c.910G>T (p.Val304Phe)

Gene: SAMD9 (sterile alpha motif domain containing 9; minus strand). Cytogenetic location: 7q21.2.
Variant type: single nucleotide variant.
Coding change: c.910G>T on transcript NM_017654.4 (MANE Select); coding-DNA position 910, G replaced by T.
Protein change: p.Val304Phe; replaces valine 304 with phenylalanine.
Molecular consequence: missense variant.
Genome position (GRCh38, 1-based): chr7:93,105,188, C>A on the plus strand (G>T on the coding strand, the complement: SAMD9 is on the minus strand). VCF-style: chr7-93105188-C-A. GRCh37 (hg19) VCF-style: chr7-92734501-C-A.
Other names: c.910G>T, p.Val304Phe (NM_001193307.2); short protein forms V304F.
Identifiers: ClinVar variation 4810579 (VCV004810579.1).
Genomic context (GRCh38, chr7:93,105,188, plus strand): 5'-TAATCTGGAAATAATCATATTGGCATTCAGAGAACTGTGGAATAATGTCCACTTCAATAA[C>A]AAATCTGTCAGATAGAGTACTATTTGGCAGTAAAACTTCCACAAATCTTGGCTCTCGAAT-3'
Protein context (NP_060124.2, residues 294-314): LPNSTLSDRF[Val304Phe]IEVDIIPQFS